The following is an entry in ClinVar:

ClinVar aggregate classification (germline): Uncertain significance (1 of 4 stars; one submission).

Submission:

Labcorp Genetics (formerly Invitae), Labcorp
Classification: Uncertain significance. Last evaluated: 2025-09-10. Review status: criteria provided, single submitter. Criteria: Invitae Variant Classification Sherloc (09022015). Collection method: clinical testing. Allele origin: germline.
Comment: This sequence change replaces methionine, which is neutral and non-polar, with isoleucine, which is neutral and non-polar, at codon 890 of the ANO6 protein (p.Met890Ile). This variant is not present in population databases (gnomAD no frequency). This variant has not been reported in the literature in individuals affected with ANO6-related conditions. Invitae Evidence Modeling of protein sequence and biophysical properties (such as structural, functional, and spatial information, amino acid conservation, physicochemical variation, residue mobility, and thermodynamic stability) indicates that this missense variant is not expected to disrupt ANO6 protein function with a negative predictive value of 80%. In summary, the available evidence is currently insufficient to determine the role of this variant in disease. Therefore, it has been classified as a Variant of Uncertain Significance.

NM_001025356.3(ANO6):c.2670G>T (p.Met890Ile)

Gene: ANO6 (anoctamin 6; plus strand). Cytogenetic location: 12q12.
Variant type: single nucleotide variant.
Coding change: c.2670G>T on transcript NM_001025356.3 (MANE Select); coding-DNA position 2670, G replaced by T.
Protein change: p.Met890Ile; replaces methionine 890 with isoleucine.
Molecular consequence: missense variant. On other transcripts: intron variant (1).
Genome position (GRCh38, 1-based): chr12:45,429,248, G>T. VCF-style: chr12-45429248-G-T. GRCh37 (hg19) VCF-style: chr12-45823031-G-T.
Other names: c.2616G>T, p.Met872Ile (NM_001142678.2); c.2733G>T, p.Met911Ile (NM_001204803.2); c.2637G>T, p.Met879Ile (NM_001410973.1); c.2526+6186G>T (NM_001142679.2); short protein forms M890I, M911I, M872I, M879I.
Identifiers: ClinVar variation 4781427 (VCV004781427.1).
Genomic context (GRCh38, chr12:45,429,248, plus strand): 5'-AAAATACCTAACCCAAAAGCTTCTTCATGAGAATCACCTCAAAGATATGACGAAAAATAT[G>T]GGGGTGATAGCTGAGCGGATGATAGAAGCAGTAGATAACAATTTACGGCCAAAATCAGAA-3'
Protein context (NP_001020527.2, residues 880-900): ENHLKDMTKN[Met890Ile]GVIAERMIEA